The following is an entry in ClinVar:

ClinVar aggregate classification (germline): Uncertain significance (1 of 4 stars; one submission).

Conditions:
Geleophysic dysplasia 2 (GPHYSD2). Identifiers: Orphanet 2623, MedGen C3280054, MONDO:0013612, OMIM 614185.
MASS syndrome (OCTD). Also called: MASS PHENOTYPE; OVERLAP CONNECTIVE TISSUE DISEASE. Identifiers: MedGen C1858556, MONDO:0011431, OMIM 604308.
Marfan syndrome (MFS). Also called: MARFAN SYNDROME, TYPE I; FBN1-Related Marfan Syndrome; Marfan syndrome type 1; Marfan's syndrome; Marfan syndrome, classic. Identifiers: Orphanet 284963, Orphanet 558, MedGen C0024796, MONDO:0007947, OMIM 154700.
Ectopia lentis 1, isolated, autosomal dominant (ECTOL1). Identifiers: Orphanet 1885, MedGen C3541518, MONDO:0007514, OMIM 129600.
Stiff skin syndrome (SSKS). Identifiers: Orphanet 2833, MedGen C1861456, MONDO:0008492, OMIM 184900.
Acromicric dysplasia (ACMICD). Also called: Acromicric skeletal dysplasia. Identifiers: Orphanet 969, MedGen C0265287, MONDO:0007055, OMIM 102370.
Progeroid and marfanoid aspect-lipodystrophy syndrome. Also called: MARFANOID-PROGEROID SYNDROME; MARFAN-PROGEROID-LIPODYSTROPHY SYNDROME; Marfan lipodystrophy syndrome; MARFANOID-PROGEROID-LIPODYSTROPHY SYNDROME. Identifiers: Orphanet 300382, MedGen C4310796, MONDO:0014831, OMIM 616914.
Weill-Marchesani syndrome 2, dominant. Also called: Weill-Marchesani Syndrome, Autosomal Dominant; FBN1-Related Weill-Marchesani Syndrome. Identifiers: Orphanet 2084, MedGen C1869115, MONDO:0012013, OMIM 608328.

Submission:

Center for Genomics, Ann and Robert H. Lurie Children's Hospital of Chicago
Classification: Uncertain significance for Geleophysic dysplasia 2; Weill-Marchesani syndrome 2, dominant; Ectopia lentis 1, isolated, autosomal dominant; MASS syndrome; Progeroid and marfanoid aspect-lipodystrophy syndrome; Acromicric dysplasia; Marfan syndrome; Stiff skin syndrome. Review status: criteria provided, single submitter. Criteria: ACMG Guidelines, 2015. Collection method: clinical testing. Allele origin: germline.
Comment: This variant has not been reported in the literature and is not present in large control databases. Evolutionary conservation and computational prediction tools suggest that this variant may impact the protein. Additionally, the FBN1 gene has a gnomAD missense constraint z-score of 5.06, suggesting that benign missense variation in FBN1 is uncommon (Lek 2016 PMID: 27535533). In summary, data on this variant is insufficient for disease classification. Therefore, the clinical significance of this variant is uncertain

NM_000138.5(FBN1):c.1964C>T (p.Thr655Ile)

Gene: FBN1 (fibrillin 1; minus strand). Cytogenetic location: 15q21.1.
Variant type: single nucleotide variant.
Coding change: c.1964C>T on transcript NM_000138.5 (MANE Select); coding-DNA position 1964, C replaced by T.
Protein change: p.Thr655Ile; replaces threonine 655 with isoleucine.
Molecular consequence: missense variant.
Genome position (GRCh38, 1-based): chr15:48,503,936, G>A on the plus strand (C>T on the coding strand, the complement: FBN1 is on the minus strand). VCF-style: chr15-48503936-G-A. GRCh37 (hg19) VCF-style: chr15-48796133-G-A.
Other names: c.1964C>T, p.Thr655Ile (NM_001406716.1); short protein forms T655I.
Identifiers: ClinVar variation 2500028 (VCV002500028.2), dbSNP rs779915218, ClinGen allele CA392338885.